The following is an entry in ClinVar:

ClinVar aggregate classification (germline): Uncertain significance. Review status: criteria provided, multiple submitters, no conflicts (2 of 4 stars). 3 submissions from 3 submitters: Uncertain significance (3). Last evaluated 2023-12-31.

Conditions:
Inborn genetic diseases. Identifiers: MedGen C0950123, MeSH D030342.
LAMA2-related muscular dystrophy (LAMA2-RD). Also called: Laminin alpha 2-related dystrophy. Identifiers: MedGen C5679788, MONDO:0100228.

Allele frequency attached by ClinVar (database versions not stated): gnomAD exomes 0.00004.
gnomAD v4.1: 50 of 1,612,888 alleles (0.0031%); highest among the groups gnomAD compares: Non-Finnish European, 0.0042%; no homozygotes.

Submissions (3):

Ambry Genetics
Classification: Uncertain significance for Inborn genetic diseases. Last evaluated: 2023-12-31. Review status: criteria provided, single submitter. Criteria: Ambry Variant Classification Scheme 2023. Collection method: clinical testing. Allele origin: germline.

Labcorp Genetics (formerly Invitae), Labcorp
Classification: Uncertain significance for LAMA2-related muscular dystrophy. Last evaluated: 2022-07-06. Review status: criteria provided, single submitter. Criteria: Invitae Variant Classification Sherloc (09022015). Collection method: clinical testing. Allele origin: germline.
Comment: This variant is not present in population databases (gnomAD no frequency). This sequence change replaces glutamine, which is neutral and polar, with arginine, which is basic and polar, at codon 412 of the LAMA2 protein (p.Gln412Arg). In summary, the available evidence is currently insufficient to determine the role of this variant in disease. Therefore, it has been classified as a Variant of Uncertain Significance. Advanced modeling of protein sequence and biophysical properties (such as structural, functional, and spatial information, amino acid conservation, physicochemical variation, residue mobility, and thermodynamic stability) performed at Invitae indicates that this missense variant is not expected to disrupt LAMA2 protein function. ClinVar contains an entry for this variant (Variation ID: 1304404). This variant has not been reported in the literature in individuals affected with LAMA2-related conditions.

GeneDx
Classification: Uncertain significance. Last evaluated: 2019-09-17. Review status: criteria provided, single submitter. Criteria: GeneDx Variant Classification Process June 2021. Collection method: clinical testing. Allele origin: germline. Affected: yes.
Comment: Not observed in large population cohorts (Lek et al., 2016); In silico analysis, which includes protein predictors and evolutionary conservation, supports that this variant does not alter protein structure/function; Has not been previously published as pathogenic or benign to our knowledge

NM_000426.4(LAMA2):c.1235A>G (p.Gln412Arg)

Gene: LAMA2 (laminin subunit alpha 2; plus strand). Cytogenetic location: 6q22.33.
Variant type: single nucleotide variant.
Coding change: c.1235A>G on transcript NM_000426.4 (MANE Select); coding-DNA position 1235, A replaced by G.
Protein change: p.Gln412Arg; replaces glutamine 412 with arginine.
Molecular consequence: missense variant.
Genome position (GRCh38, 1-based): chr6:129,165,604, A>G. VCF-style: chr6-129165604-A-G. GRCh37 (hg19) VCF-style: chr6-129486749-A-G.
Other names: c.1235A>G, p.Gln412Arg (NM_001079823.2); short protein forms Q412R.
Identifiers: ClinVar variation 1304404 (VCV001304404.6), dbSNP rs776412628, ClinGen allele CA146895533.